The following is an entry in ClinVar:

ClinVar aggregate classification (germline): Conflicting classifications of pathogenicity. Review status: criteria provided, conflicting classifications (1 of 4 stars). 2 submissions from 2 submitters: Uncertain significance (1); Likely benign (1). Last evaluated 2025-10-22.

Conditions:
Hereditary cancer-predisposing syndrome. Also called: Hereditary neoplastic syndrome; Hereditary Cancer Syndrome; Neoplastic Syndromes, Hereditary; Tumor predisposition. Identifiers: Orphanet 140162, MedGen C0027672, MeSH D009386, MONDO:0015356.
Cardiovascular phenotype. Identifiers: MedGen CN230736.

Allele frequency attached by ClinVar (database versions not stated): gnomAD exomes below 0.00001.
gnomAD v4.1: 2 of 1,613,586 alleles (0.00012%); highest among the groups gnomAD compares: Non-Finnish European, 0.000085%; no homozygotes.

Submissions (2):

Ambry Genetics
Classification: Likely benign for Cardiovascular phenotype; Hereditary cancer-predisposing syndrome. Last evaluated: 2025-10-22. Review status: criteria provided, single submitter. Criteria: Ambry Variant Classification Scheme 2023. Collection method: clinical testing. Allele origin: germline.

Labcorp Genetics (formerly Invitae), Labcorp
Classification: Uncertain significance. Last evaluated: 2024-11-05. Review status: criteria provided, single submitter. Criteria: Invitae Variant Classification Sherloc (09022015). Collection method: clinical testing. Allele origin: germline.
Comment: This sequence change replaces proline, which is neutral and non-polar, with threonine, which is neutral and polar, at codon 377 of the LZTR1 protein (p.Pro377Thr). The frequency data for this variant in the population databases is considered unreliable, as metrics indicate poor data quality at this position in the gnomAD database. This variant has not been reported in the literature in individuals affected with LZTR1-related conditions. ClinVar contains an entry for this variant (Variation ID: 1403262). Invitae Evidence Modeling of protein sequence and biophysical properties (such as structural, functional, and spatial information, amino acid conservation, physicochemical variation, residue mobility, and thermodynamic stability) indicates that this missense variant is not expected to disrupt LZTR1 protein function with a negative predictive value of 80%. In summary, the available evidence is currently insufficient to determine the role of this variant in disease. Therefore, it has been classified as a Variant of Uncertain Significance.

NM_006767.4(LZTR1):c.1129C>A (p.Pro377Thr)

Gene: LZTR1 (leucine zipper like post translational regulator 1; plus strand). Cytogenetic location: 22q11.21.
Variant type: single nucleotide variant.
Coding change: c.1129C>A on transcript NM_006767.4 (MANE Select); coding-DNA position 1129, C replaced by A.
Protein change: p.Pro377Thr; replaces proline 377 with threonine.
Molecular consequence: missense variant.
Genome position (GRCh38, 1-based): chr22:20,992,349, C>A. VCF-style: chr22-20992349-C-A. GRCh37 (hg19) VCF-style: chr22-21346638-C-A.
Other names: short protein forms P377T.
Identifiers: ClinVar variation 1403262 (VCV001403262.9), dbSNP rs1223628431, ClinGen allele CA410782116.